The following is an entry in ClinVar:

NM_033448.3(KRT71):c.799T>C (p.Cys267Arg)

Gene: KRT71 (keratin 71; minus strand). Cytogenetic location: 12q13.13.
Variant type: single nucleotide variant.
Coding change: c.799T>C on transcript NM_033448.3 (MANE Select); coding-DNA position 799, T replaced by C.
Protein change: p.Cys267Arg; replaces cysteine 267 with arginine.
Molecular consequence: missense variant.
Genome position (GRCh38, 1-based): chr12:52,548,715, A>G on the plus strand (T>C on the coding strand, the complement: KRT71 is on the minus strand). VCF-style: chr12-52548715-A-G. GRCh37 (hg19) VCF-style: chr12-52942499-A-G.
Other names: short protein forms C267R.
Identifiers: ClinVar variation 3648099 (VCV003648099.2).

ClinVar aggregate classification (germline): Uncertain significance (1 of 4 stars; one submission).

gnomAD v4.1: 5 of 1,614,146 alleles (0.00031%); highest among the groups gnomAD compares: Non-Finnish European, 0.00042%; no homozygotes.

Submission:

Labcorp Genetics (formerly Invitae), Labcorp
Classification: Uncertain significance. Last evaluated: 2024-10-22. Review status: criteria provided, single submitter. Criteria: Invitae Variant Classification Sherloc (09022015). Collection method: clinical testing. Allele origin: germline.
Comment: This sequence change replaces cysteine, which is neutral and slightly polar, with arginine, which is basic and polar, at codon 267 of the KRT71 protein (p.Cys267Arg). This variant is not present in population databases (gnomAD no frequency). This variant has not been reported in the literature in individuals affected with KRT71-related conditions. Invitae Evidence Modeling of protein sequence and biophysical properties (such as structural, functional, and spatial information, amino acid conservation, physicochemical variation, residue mobility, and thermodynamic stability) indicates that this missense variant is not expected to disrupt KRT71 protein function with a negative predictive value of 80%. In summary, the available evidence is currently insufficient to determine the role of this variant in disease. Therefore, it has been classified as a Variant of Uncertain Significance.